The following is an entry in ClinVar:

ClinVar aggregate classification (germline): Uncertain significance (1 of 4 stars; one submission).

Conditions:
Dextro-looped transposition of the great arteries. Also called: Dextrotransposition of the great arteries. Identifiers: Orphanet 860, MedGen C3531771, MONDO:0019443, OMIM 608808, HP:0031348.

gnomAD v4.1: 1 of 1,614,064 alleles (0.000062%); highest among the groups gnomAD compares: Admixed American, 0.0017%; no homozygotes.

Submission:

Labcorp Genetics (formerly Invitae), Labcorp
Classification: Uncertain significance for Dextro-looped transposition of the great arteries. Last evaluated: 2025-02-07. Review status: criteria provided, single submitter. Criteria: Invitae Variant Classification Sherloc (09022015). Collection method: clinical testing. Allele origin: germline.
Comment: This sequence change replaces valine, which is neutral and non-polar, with methionine, which is neutral and non-polar, at codon 1264 of the MED13L protein (p.Val1264Met). This variant is not present in population databases (gnomAD no frequency). This variant has not been reported in the literature in individuals affected with MED13L-related conditions. Invitae Evidence Modeling of protein sequence and biophysical properties (such as structural, functional, and spatial information, amino acid conservation, physicochemical variation, residue mobility, and thermodynamic stability) indicates that this missense variant is not expected to disrupt MED13L protein function with a negative predictive value of 80%. In summary, the available evidence is currently insufficient to determine the role of this variant in disease. Therefore, it has been classified as a Variant of Uncertain Significance.

NM_015335.5(MED13L):c.3790G>A (p.Val1264Met)

Gene: MED13L (mediator complex subunit 13L; minus strand). Cytogenetic location: 12q24.21.
Variant type: single nucleotide variant.
Coding change: c.3790G>A on transcript NM_015335.5 (MANE Select); coding-DNA position 3790, G replaced by A.
Protein change: p.Val1264Met; replaces valine 1264 with methionine.
Molecular consequence: missense variant.
Genome position (GRCh38, 1-based): chr12:115,991,164, C>T on the plus strand (G>A on the coding strand, the complement: MED13L is on the minus strand). VCF-style: chr12-115991164-C-T. GRCh37 (hg19) VCF-style: chr12-116428969-C-T.
Other names: short protein forms V1264M.
Identifiers: ClinVar variation 3665486 (VCV003665486.2).
Genomic context (GRCh38, chr12:115,991,164, plus strand): 5'-GCCGCCCCTGCTCCAACGCATTAAAGCATTCCGTCCAGTAATCATTATTATCTGCTTGCA[C>T]CCGGTCATAACTCCAGCTTACACAGGGAAGAGTTTGGCGATTGTTAGAGGAAATGTAGTC-3'
Protein context (NP_056150.1, residues 1254-1274): LPCVSWSYDR[Val1264Met]QADNNDYWTE